The following is an entry in ClinVar:

NM_001199107.2(TBC1D24):c.843C>G (p.Ser281=)

Gene: TBC1D24 (TBC1 domain family member 24; plus strand). Cytogenetic location: 16p13.3.
Variant type: single nucleotide variant.
Coding change: c.843C>G on transcript NM_001199107.2 (MANE Select); coding-DNA position 843, C replaced by G.
Protein change: p.Ser281=; no amino-acid change (serine 281 retained).
Molecular consequence: synonymous variant.
Genome position (GRCh38, 1-based): chr16:2,496,991, C>G. VCF-style: chr16-2496991-C-G. GRCh37 (hg19) VCF-style: chr16-2546992-C-G.
Other names: c.843C>G, p.Ser281= (NM_020705.3).
Identifiers: ClinVar variation 517303 (VCV000517303.6), dbSNP rs1555501311, ClinGen allele CA493367202.

ClinVar aggregate classification (germline): Likely benign. Review status: criteria provided, multiple submitters, no conflicts (2 of 4 stars). 2 submissions from 2 submitters: Likely benign (2). Last evaluated 2021-01-07.

Allele frequency attached by ClinVar (database versions not stated): gnomAD exomes below 0.00001.
gnomAD v4.1: 4 of 1,613,964 alleles (0.00025%); highest among the groups gnomAD compares: Middle Eastern, 0.016%; no homozygotes.

Submissions (2):

Blueprint Genetics
Classification: Likely benign. Last evaluated: 2021-01-07. Review status: criteria provided, single submitter. Criteria: ACMG Guidelines, 2015. Collection method: clinical testing. Allele origin: germline.

Laboratory for Molecular Medicine, Mass General Brigham Personalized Medicine
Classification: Likely benign. Last evaluated: 2017-02-21. Review status: criteria provided, single submitter. Criteria: LMM Criteria. Collection method: clinical testing. Allele origin: germline. Observed: 1 variant allele.
Comment: p.Ser281Ser in exon 2 of TBC1D24: This variant is not expected to have clinical significance because it does not alter an amino acid residue and it is not locat ed within the splice consensus sequence. It has been identified in 1/112184 Eur opean chromosomes by the Genome Aggregation Database (gnomAD).